The following is an entry in ClinVar:

ClinVar aggregate classification (germline): Uncertain significance (1 of 4 stars; one submission).

gnomAD v4.1: 93 of 1,613,608 alleles (0.0058%); highest among the groups gnomAD compares: African/African-American, 0.047%; no homozygotes.

Submission:

Labcorp Genetics (formerly Invitae), Labcorp
Classification: Uncertain significance. Last evaluated: 2025-06-12. Review status: criteria provided, single submitter. Criteria: Invitae Variant Classification Sherloc (09022015). Collection method: clinical testing. Allele origin: germline.
Comment: This sequence change replaces arginine, which is basic and polar, with cysteine, which is neutral and slightly polar, at codon 943 of the EGF protein (p.Arg943Cys). This variant is present in population databases (rs144527372, gnomAD 0.05%). This variant has not been reported in the literature in individuals affected with EGF-related conditions. ClinVar contains an entry for this variant (Variation ID: 3703472). An algorithm developed to predict the effect of missense changes on protein structure and function (PolyPhen-2) suggests that this variant is likely to be tolerated. In summary, the available evidence is currently insufficient to determine the role of this variant in disease. Therefore, it has been classified as a Variant of Uncertain Significance.

NM_001963.6(EGF):c.2827C>T (p.Arg943Cys)

Gene: EGF (epidermal growth factor; plus strand). Cytogenetic location: 4q25.
Variant type: single nucleotide variant.
Coding change: c.2827C>T on transcript NM_001963.6 (MANE Select); coding-DNA position 2827, C replaced by T.
Protein change: p.Arg943Cys; replaces arginine 943 with cysteine.
Molecular consequence: missense variant. On other transcripts: intron variant (1).
Genome position (GRCh38, 1-based): chr4:109,993,339, C>T. VCF-style: chr4-109993339-C-T. GRCh37 (hg19) VCF-style: chr4-110914495-C-T.
Other names: c.2701C>T, p.Arg901Cys (NM_001178131.3); c.2458C>T, p.Arg820Cys (NM_001357021.2); c.2735-1394C>T (NM_001178130.3); short protein forms R943C, R901C, R820C.
Identifiers: ClinVar variation 3703472 (VCV003703472.2).